The following is an entry in ClinVar:

NM_006767.4(LZTR1):c.401-3C>T

Gene: LZTR1 (leucine zipper like post translational regulator 1; plus strand). Cytogenetic location: 22q11.21.
Variant type: single nucleotide variant.
Coding change: c.401-3C>T on transcript NM_006767.4 (MANE Select); 3 bases into the intron before coding-DNA position 401, C replaced by T.
Molecular consequence: intron variant.
Genome position (GRCh38, 1-based): chr22:20,988,007, C>T. VCF-style: chr22-20988007-C-T. GRCh37 (hg19) VCF-style: chr22-21342296-C-T.
Identifiers: ClinVar variation 4101807 (VCV004101807.2).
Genomic context (GRCh38, chr22:20,988,007, plus strand): 5'-CCAGGGTTTGAAATCTCCAAGACTGCCCTTTGGGTTTGACAGTTTCTCACTCTCTTTACT[C>T]AGGGGGTTACACTGGGGACATTTATTCCAATTCTAACTTGAAGAATAAAAACGACCTCTT-3'

ClinVar aggregate classification (germline): Uncertain significance. Review status: criteria provided, multiple submitters, no conflicts (2 of 4 stars). 2 submissions from 2 submitters: Uncertain significance (2). Last evaluated 2026-02-11.

Conditions:
Cardiovascular phenotype. Identifiers: MedGen CN230736.
Hereditary cancer-predisposing syndrome. Also called: Tumor predisposition; Neoplastic Syndromes, Hereditary; Hereditary neoplastic syndrome; Hereditary Cancer Syndrome. Identifiers: Orphanet 140162, MedGen C0027672, MeSH D009386, MONDO:0015356.
Noonan syndrome 10 (NS10). Identifiers: Orphanet 648, MedGen C4225280, MONDO:0014693, OMIM 616564.

Submissions (2):

St. Jude Molecular Pathology, St. Jude Children's Research Hospital
Classification: Uncertain significance for Noonan syndrome 10. Last evaluated: 2026-02-11. Review status: criteria provided, single submitter. Criteria: St. Jude Assertion Criteria 2020. Collection method: clinical testing. Allele origin: germline.
Comment: The LZTR1 c.401-3C>T intronic change results in a C to T substitution at the -3 position of intron 4 of the LZTR1 gene. Algorithms that predict the impact of sequence changes on splicing indicate that this variant likely does not affect splicing but to our knowledge these predictions have not been confirmed by RNA studies. To our knowledge, this variant has not been reported in individuals with Noonan syndrome or schwannomatosis. In summary, the evidence currently available is insufficient to determine the clinical significance of this variant. It has therefore been classified as of uncertain significance.

Ambry Genetics
Classification: Uncertain significance for Cardiovascular phenotype; Hereditary cancer-predisposing syndrome. Last evaluated: 2025-09-05. Review status: criteria provided, single submitter. Criteria: Ambry Variant Classification Scheme 2023. Collection method: clinical testing. Allele origin: germline.
Comment: The c.401-3C>T intronic variant results from a C to T substitution 3 nucleotides upstream from coding exon 5 in the LZTR1 gene. This nucleotide position is well conserved in available vertebrate species. In silico splice site analysis predicts that this alteration will not have any significant effect on splicing. Based on the available evidence, the clinical significance of this variant remains unclear.